The following is an entry in ClinVar:

ClinVar aggregate classification (germline): Likely benign (0 of 4 stars; one submission).

Conditions:
KNL1-related disorder. Also called: KNL1-related condition.

Allele frequency attached by ClinVar (database versions not stated): gnomAD 0.00001; gnomAD exomes 0.00002; TOPMed 0.00002; ExAC 0.00003.
gnomAD v4.1: 31 of 1,606,848 alleles (0.0019%); highest among the groups gnomAD compares: Admixed American, 0.0085%; no homozygotes.

Submission:

PreventionGenetics, part of Exact Sciences
Classification: Likely benign for KNL1-related condition. Last evaluated: 2021-09-07. Review status: no assertion criteria provided. Collection method: clinical testing. Allele origin: germline.
Comment: This variant is classified as likely benign based on ACMG/AMP sequence variant interpretation guidelines (Richards et al. 2015 PMID: 25741868, with internal and published modifications).

NM_144508.5(KNL1):c.2490C>T (p.Asp830=)

Gene: KNL1 (kinetochore scaffold 1; plus strand). Cytogenetic location: 15q15.1.
Variant type: single nucleotide variant.
Coding change: c.2490C>T on transcript NM_144508.5 (MANE Select); coding-DNA position 2490, C replaced by T.
Protein change: p.Asp830=; no amino-acid change (aspartic acid 830 retained).
Molecular consequence: synonymous variant.
Genome position (GRCh38, 1-based): chr15:40,622,754, C>T. VCF-style: chr15-40622754-C-T. GRCh37 (hg19) VCF-style: chr15-40914952-C-T.
Other names: c.2568C>T, p.Asp856= (NM_170589.5).
Identifiers: ClinVar variation 3029414 (VCV003029414.2), dbSNP rs758477581, ClinGen allele CA7482869.